The following is an entry in ClinVar:

NM_001370259.2(MEN1):c.259_260delinsTA (p.Ala87Tyr)

Gene: MEN1 (menin 1; minus strand). Cytogenetic location: 11q13.1.
Variant type: Indel.
Coding change: c.259_260delinsTA on transcript NM_001370259.2 (MANE Select); coding-DNA positions 259 to 260, GC replaced by TA.
Protein change: p.Ala87Tyr; replaces alanine 87 with tyrosine.
Molecular consequence: missense variant. On other transcripts: non-coding transcript variant (4).
Genome position (GRCh38, 1-based): chr11:64,809,850-64,809,851, GC replaced by TA on the plus strand (GC replaced by TA on the coding strand, the reverse complement: MEN1 is on the minus strand). VCF-style: chr11-64809850-GC-TA. GRCh37 (hg19) VCF-style: chr11-64577322-GC-TA.
Other names: c.259_260delinsTA, p.Ala87Tyr (NM_001407144.1, NM_001407145.1, NM_001407146.1 and 20 more transcripts); short protein forms A87Y.
Identifiers: ClinVar variation 2750613 (VCV002750613.3), dbSNP rs2497271964, ClinGen allele CA2697548626.
Genomic context (GRCh38, chr11:64,809,850, plus strand): 5'-GGATAGAGGGACAGGTCGACGGCGCCTCGGATCTGGGCGGTGAAGCGGGCATAGAGGGCG[GC>TA]GATGATAGACAGGTCGGCCACGGGAAAGTAGGTGAGGCCGCCAGGCGGGTCGGGGGCGGG-3'
Protein context (NP_001357188.2, residues 77-97): YFPVADLSII[Ala87Tyr]ALYARFTAQI

ClinVar aggregate classification (germline): Uncertain significance (1 of 4 stars; one submission).

Conditions:
Multiple endocrine neoplasia, type 1 (MEN1). Also called: MEN I; WERMER SYNDROME; Endocrine adenomatosis multiple; MEN 1; MEA I. Identifiers: Orphanet 652, MedGen C0025267, MeSH D018761, MONDO:0007540, OMIM 131100.

Submission:

Labcorp Genetics (formerly Invitae), Labcorp
Classification: Uncertain significance for Multiple endocrine neoplasia, type 1. Last evaluated: 2023-08-06. Review status: criteria provided, single submitter. Criteria: Invitae Variant Classification Sherloc (09022015). Collection method: clinical testing. Allele origin: germline.
Comment: This variant has not been reported in the literature in individuals affected with MEN1-related conditions. An algorithm developed to predict the effect of missense changes on protein structure and function (PolyPhen-2) suggests that this variant is likely to be disruptive. In summary, the available evidence is currently insufficient to determine the role of this variant in disease. Therefore, it has been classified as a Variant of Uncertain Significance. Information on the frequency of this variant in the gnomAD database is not available, as this variant may be reported differently in the database. This sequence change replaces alanine, which is neutral and non-polar, with tyrosine, which is neutral and polar, at codon 87 of the MEN1 protein (p.Ala87Tyr).